The following is an entry in ClinVar:

ClinVar aggregate classification (germline): Uncertain significance. Review status: criteria provided, multiple submitters, no conflicts (2 of 4 stars). 2 submissions from 2 submitters: Uncertain significance (2). Last evaluated 2023-07-17.

Conditions:
Cystic fibrosis (CF). Also called: MUCOVISCIDOSIS. Identifiers: Orphanet 586, MedGen C0010674, MONDO:0009061, OMIM 219700. Disease mechanism: loss of function.

gnomAD v4.1: 4 of 1,613,918 alleles (0.00025%); highest among the groups gnomAD compares: East Asian, 0.0089%; no homozygotes.

Submissions (2):

Ambry Genetics
Classification: Uncertain significance for Cystic fibrosis. Last evaluated: 2023-07-17. Review status: criteria provided, single submitter. Criteria: Ambry Variant Classification Scheme 2023. Collection method: clinical testing. Allele origin: germline.
Comment: The p.R1325S variant (also known as c.3975A>T), located in coding exon 25 of the CFTR gene, results from an A to T substitution at nucleotide position 3975. The arginine at codon 1325 is replaced by serine, an amino acid with dissimilar properties. This amino acid position is conserved. In addition, the in silico prediction for this alteration is inconclusive. Since supporting evidence is limited at this time, the clinical significance of this alteration remains unclear.

Labcorp Genetics (formerly Invitae), Labcorp
Classification: Uncertain significance for Cystic fibrosis. Last evaluated: 2021-07-15. Review status: criteria provided, single submitter. Criteria: Invitae Variant Classification Sherloc (09022015). Collection method: clinical testing. Allele origin: germline.
Comment: This sequence change replaces arginine with serine at codon 1325 of the CFTR protein (p.Arg1325Ser). The arginine residue is weakly conserved and there is a moderate physicochemical difference between arginine and serine. This variant is not present in population databases (ExAC no frequency). This variant has not been reported in the literature in individuals with CFTR-related conditions. Algorithms developed to predict the effect of missense changes on protein structure and function are either unavailable or do not agree on the potential impact of this missense change (SIFT: "Deleterious"; PolyPhen-2: "Benign"; Align-GVGD: "Class C35"). In summary, the available evidence is currently insufficient to determine the role of this variant in disease. Therefore, it has been classified as a Variant of Uncertain Significance.

NM_000492.4(CFTR):c.3975A>T (p.Arg1325Ser)

Gene: CFTR (CF transmembrane conductance regulator; plus strand). Cytogenetic location: 7q31.2.
Variant type: single nucleotide variant.
Coding change: c.3975A>T on transcript NM_000492.4 (MANE Select); coding-DNA position 3975, A replaced by T.
Protein change: p.Arg1325Ser; replaces arginine 1325 with serine.
Molecular consequence: missense variant.
Genome position (GRCh38, 1-based): chr7:117,664,699, A>T. VCF-style: chr7-117664699-A-T. GRCh37 (hg19) VCF-style: chr7-117304753-A-T.
Other names: short protein forms R1325S.
Identifiers: ClinVar variation 848224 (VCV000848224.11), dbSNP rs1793339514, ClinGen allele CA368981799.